The following is an entry in ClinVar:

ClinVar aggregate classification (germline): Benign/Likely benign. Review status: criteria provided, multiple submitters, no conflicts (2 of 4 stars). 5 submissions from 5 submitters: Benign (2); Likely benign (3). Last evaluated 2025-11-25.

Conditions:
Inborn genetic diseases. Identifiers: MedGen C0950123, MeSH D030342.
Methylmalonic acidemia with homocystinuria, type cblX (MAHCX). Also called: INTELLECTUAL DEVELOPMENTAL DISORDER, X-LINKED 3. Identifiers: Orphanet 369962, MedGen C0796208, MONDO:0010657, OMIM 309541.

Allele frequency attached by ClinVar (database versions not stated): ExAC 0.00016; gnomAD exomes 0.00016 and 0.00014; TOPMed 0.00020; 1000 Genomes Project 30x 0.00146; 1000 Genomes Project 0.00185; gnomAD 0.00009 and 0.00015.
gnomAD v4.1: 169 of 1,205,552 alleles (0.014%); highest among the groups gnomAD compares: East Asian, 0.37%; no homozygotes.

Submissions (5):

Labcorp Genetics (formerly Invitae), Labcorp
Classification: Benign for Methylmalonic acidemia with homocystinuria, type cblX. Last evaluated: 2025-11-25. Review status: criteria provided, single submitter. Criteria: Invitae Variant Classification Sherloc (09022015). Collection method: clinical testing. Allele origin: germline.

CeGaT Center for Human Genetics Tuebingen
Classification: Benign. Last evaluated: 2025-09-01. Review status: criteria provided, single submitter. Criteria: CeGaT Center For Human Genetics Tuebingen Variant Classification Criteria Version 2. Collection method: clinical testing. Allele origin: germline. Affected: yes. Observed: 1 variant allele.
Comment: HCFC1: BP4, BS1, BS2

Ambry Genetics
Classification: Likely benign for Inborn genetic diseases. Last evaluated: 2022-10-26. Review status: criteria provided, single submitter. Criteria: Ambry Variant Classification Scheme 2023. Collection method: clinical testing. Allele origin: germline.

GeneDx
Classification: Likely benign. Last evaluated: 2020-09-29. Review status: criteria provided, single submitter. Criteria: GeneDx Variant Classification Process June 2021. Collection method: clinical testing. Allele origin: germline. Affected: yes.

Breakthrough Genomics
Classification: Likely benign. Review status: criteria provided, single submitter. Criteria: ACMG Guidelines, 2015. Collection method: not provided. Allele origin: germline. Inheritance: X-linked inheritance. Affected: yes.

NM_005334.3(HCFC1):c.3757C>T (p.Arg1253Cys)

Gene: HCFC1 (host cell factor C1; minus strand). Cytogenetic location: Xq28.
Variant type: single nucleotide variant.
Coding change: c.3757C>T on transcript NM_005334.3 (MANE Select); coding-DNA position 3757, C replaced by T.
Protein change: p.Arg1253Cys; replaces arginine 1253 with cysteine.
Molecular consequence: missense variant.
Genome position (GRCh38, 1-based): chrX:153,954,642, G>A on the plus strand (C>T on the coding strand, the complement: HCFC1 is on the minus strand). VCF-style: chrX-153954642-G-A. GRCh37 (hg19) VCF-style: chrX-153220093-G-A.
Other names: short protein forms R1253C.
Identifiers: ClinVar variation 389201 (VCV000389201.23), dbSNP rs199554411, ClinGen allele CA10557137.